The following is an entry in ClinVar:

NM_014319.5(LEMD3):c.1594_1597del (p.Tyr532fs)

Gene: LEMD3 (LEM domain containing 3; plus strand). Cytogenetic location: 12q14.3.
Variant type: Microsatellite.
Coding change: c.1594_1597del on transcript NM_014319.5 (MANE Select); coding-DNA positions 1594 to 1597, 4 bases deleted (TATA; older notation c.1594_1597delTATA).
Protein change: p.Tyr532fs; shifts the reading frame from tyrosine 532.
Molecular consequence: frameshift variant.
Genome position (GRCh38, 1-based): chr12:65,216,010-65,216,013, TATA deleted; deleting any 4 consecutive bases within chr12:65,216,008-65,216,013 gives the same sequence; the c. name uses the placement nearest the transcript's 3' end. VCF-style (leftmost placement, unchanged base first): chr12-65216007-TTATA-T. GRCh37 (hg19) VCF-style: chr12-65609787-TTATA-T.
Other names: c.1591_1594del, p.Tyr531fs (NM_001167614.2); c.1594_1597delTATA (NM_014319.4); short protein forms Y531fs, Y532fs.
Identifiers: ClinVar variation 1324660 (VCV001324660.5), dbSNP rs1565791664, ClinGen allele CA919107800.
Genomic context (GRCh38, chr12:65,216,007, plus strand): 5'-GTATTTCATAATAACTTCTCTTAATTTTAGGAAAGTGAAAAAACTCTTATGATGAACACA[TTATA>T]TAAGCTTCATGATCGATTGGCACAGCTTGCAGGTAATTGTTTTAACTTTTATAGTTGCTA-3'

ClinVar aggregate classification (germline): Pathogenic/Likely pathogenic. Review status: criteria provided, multiple submitters, no conflicts (2 of 4 stars). 2 submissions from 2 submitters: Pathogenic (1); Likely pathogenic (1). Last evaluated 2026-04-20.

Conditions:
Inborn genetic diseases. Identifiers: MedGen C0950123, MeSH D030342.
Dermatofibrosis lenticularis disseminata (BOS). Also called: DERMATOFIBROSIS LENTICULARIS DISSEMINATA WITH OSTEOPOIKILOSIS; DERMATOOSTEOPOIKILOSIS; OSTEOPATHIA CONDENSANS DISSEMINATA. Identifiers: Orphanet 1306, MedGen C0265514, MONDO:0008157, OMIM 166700.

Submissions (2):

Ambry Genetics
Classification: Pathogenic for Inborn genetic diseases. Last evaluated: 2026-04-20. Review status: criteria provided, single submitter. Criteria: Ambry Variant Classification Scheme 2023. Collection method: clinical testing. Allele origin: germline.
Comment: The c.1594_1597delTATA (p.Y532Sfs*32) alteration, located in exon 3 (coding exon 3) of the LEMD3 gene, consists of a deletion of 4 nucleotides from position 1594 to 1597, causing a translational frameshift with a predicted alternate stop codon after 32 amino acids. This variant is expected to result in loss of function by premature protein truncation or nonsense-mediated mRNA decay. This variant was not reported in population-based cohorts in the Genome Aggregation Database (gnomAD). Based on the available evidence, this alteration is classified as pathogenic.

Revvity Omics, Revvity
Classification: Likely pathogenic for Dermatofibrosis lenticularis disseminata. Last evaluated: 2021-09-07. Review status: criteria provided, single submitter. Criteria: ACMG Guidelines, 2015. Collection method: clinical testing. Allele origin: germline.